The following is an entry in ClinVar:

ClinVar aggregate classification (germline): Likely pathogenic (1 of 4 stars; one submission).

Conditions:
Galactosemia. Also called: Galactose intolerance. Identifiers: Orphanet 352, MedGen C0016952, MONDO:0018116, HP:0004919. Disease mechanism: loss of function.

Submission:

Natera, Inc.
Classification: Likely pathogenic for Galactosemia. Last evaluated: 2025-06-09. Review status: criteria provided, single submitter. Criteria: Natera Variant Classification Schema (03/2026). Collection method: clinical testing. Allele origin: germline.
Comment: The c.931del variant in GALT is a frameshift variant predicted to shift the reading frame beginning at codon 311 and leads to a stop codon 48 codons downstream. This variant is expected to result in nonsense mediated decay, truncation, or a dysfunctional protein product. This variant is rare in the general population with a frequency below the threshold expected for the associated phenotype(s). Given the available evidence, this variant is classified as Likely Pathogenic.

NM_000155.4(GALT):c.931del (p.Ala311fs)

Gene: GALT (galactose-1-phosphate uridylyltransferase; plus strand). Cytogenetic location: 9p13.3.
Variant type: Deletion.
Coding change: c.931del on transcript NM_000155.4 (MANE Select); coding-DNA position 931, one base deleted (G; older notation c.931delG).
Protein change: p.Ala311fs; shifts the reading frame from alanine 311.
Molecular consequence: frameshift variant.
Genome position (GRCh38, 1-based): chr9:34,649,436, G deleted; the last of 4 consecutive G bases (chr9:34,649,433-34,649,436); deleting any one gives the same sequence. VCF-style (leftmost placement, unchanged base first): chr9-34649432-TG-T. GRCh37 (hg19) VCF-style: chr9-34649429-TG-T.
Other names: c.604del, p.Ala202fs (NM_001258332.2); short protein forms A202fs, A311fs.
Identifiers: ClinVar variation 4817648 (VCV004817648.1).